The following is an entry in ClinVar:

NM_018979.4(WNK1):c.610A>T (p.Ile204Phe)

Gene: WNK1 (WNK lysine deficient protein kinase 1; plus strand). Cytogenetic location: 12p13.33.
Variant type: single nucleotide variant.
Coding change: c.610A>T on transcript NM_018979.4 (MANE Select); coding-DNA position 610, A replaced by T.
Protein change: p.Ile204Phe; replaces isoleucine 204 with phenylalanine.
Molecular consequence: missense variant.
Genome position (GRCh38, 1-based): chr12:754,175, A>T. VCF-style: chr12-754175-A-T. GRCh37 (hg19) VCF-style: chr12-863341-A-T.
Other names: c.610A>T, p.Ile204Phe (NM_001184985.2, NM_014823.3, NM_213655.5); short protein forms I204F.
Identifiers: ClinVar variation 2099178 (VCV002099178.4), dbSNP rs778989852, ClinGen allele CA6381820.
Genomic context (GRCh38, chr12:754,175, plus strand): 5'-GGCAGCGGCGGCGGCAGCGCCAAGGAGCCACAGGAGGAACGGAGCCAGCAGCAGGATGAT[A>T]TCGAAGAGCTGGAGACCAAGGCCGTGGGAATGTCTAACGATGGCCGCTTTCTCAAGTTTG-3'
Protein context (NP_061852.3, residues 194-214): QEERSQQQDD[Ile204Phe]EELETKAVGM

ClinVar aggregate classification (germline): Uncertain significance (1 of 4 stars; one submission).

Conditions:
Neuropathy, hereditary sensory and autonomic, type 2A (HSAN2A). Also called: ACROOSTEOLYSIS, GIACCAI TYPE; ACROOSTEOLYSIS, NEUROGENIC; MORVAN DISEASE; NEUROPATHY, CONGENITAL SENSORY; NEUROPATHY, HEREDITARY SENSORY RADICULAR, AUTOSOMAL RECESSIVE; NEUROPATHY, HEREDITARY SENSORY, TYPE IIA. Identifiers: Orphanet 970, MedGen C2752089, MONDO:0024309, OMIM 201300.
Pseudohypoaldosteronism type 2C (PHA2C). Also called: Pseudohypoaldosteronism Type IIC. Identifiers: Orphanet 757, Orphanet 88940, MedGen C1840391, MONDO:0013778, OMIM 614492.

Allele frequency attached by ClinVar (database versions not stated): ExAC 0.00001; gnomAD exomes 0.00001.
gnomAD v4.1: 3 of 1,613,478 alleles (0.00019%); highest among the groups gnomAD compares: Non-Finnish European, 0.00025%; no homozygotes.

Submission:

Labcorp Genetics (formerly Invitae), Labcorp
Classification: Uncertain significance for Neuropathy, hereditary sensory and autonomic, type 2A; Pseudohypoaldosteronism type 2C. Last evaluated: 2022-02-19. Review status: criteria provided, single submitter. Criteria: Invitae Variant Classification Sherloc (09022015). Collection method: clinical testing. Allele origin: germline.
Comment: In summary, the available evidence is currently insufficient to determine the role of this variant in disease. Therefore, it has been classified as a Variant of Uncertain Significance. Advanced modeling of protein sequence and biophysical properties (such as structural, functional, and spatial information, amino acid conservation, physicochemical variation, residue mobility, and thermodynamic stability) performed at Invitae indicates that this missense variant is not expected to disrupt WNK1 protein function. This variant has not been reported in the literature in individuals affected with WNK1-related conditions. This variant is present in population databases (rs778989852, gnomAD 0.0009%). This sequence change replaces isoleucine, which is neutral and non-polar, with phenylalanine, which is neutral and non-polar, at codon 204 of the WNK1 protein (p.Ile204Phe).